The following is an entry in ClinVar:

NM_004970.3(IGFALS):c.810G>C (p.Trp270Cys)

Gene: IGFALS (insulin like growth factor binding protein acid labile subunit; minus strand). Cytogenetic location: 16p13.3.
Variant type: single nucleotide variant.
Coding change: c.810G>C on transcript NM_004970.3 (MANE Select); coding-DNA position 810, G replaced by C.
Protein change: p.Trp270Cys; replaces tryptophan 270 with cysteine.
Molecular consequence: missense variant. On other transcripts: non-coding transcript variant (1).
Genome position (GRCh38, 1-based): chr16:1,791,608, C>G on the plus strand (G>C on the coding strand, the complement: IGFALS is on the minus strand). VCF-style: chr16-1791608-C-G. GRCh37 (hg19) VCF-style: chr16-1841609-C-G.
Other names: c.924G>C, p.Trp308Cys (NM_001146006.2); short protein forms W270C, W308C.
Identifiers: ClinVar variation 1722878 (VCV001722878.2), dbSNP rs534175817, ClinGen allele CA7820483.
Genomic context (GRCh38, chr16:1,791,608, plus strand): 5'-CAGCAGACCGGGGAACGTGTCCTCCAGGAGGCCAGCCACGCGGTTGTGGGACAGGTCCAG[C>G]CATCGCAGCGCCTTCAGGCCCAGGAAGGCGCCCGGGGCCACGGCAGCGATGAGGTTGCGG-3'
Protein context (NP_004961.1, residues 260-280): GAFLGLKALR[Trp270Cys]LDLSHNRVAG

ClinVar aggregate classification (germline): Uncertain significance (1 of 4 stars; one submission).

Allele frequency attached by ClinVar (database versions not stated): gnomAD 0.00001; ExAC 0.00004; 1000 Genomes Project 30x 0.00016; 1000 Genomes Project 0.00020.
gnomAD v4.1: 3 of 1,565,568 alleles (0.00019%); highest among the groups gnomAD compares: African/African-American, 0.0041%; no homozygotes.

Submission:

GeneDx
Classification: Uncertain significance. Last evaluated: 2022-05-05. Review status: criteria provided, single submitter. Criteria: GeneDx Variant Classification Process June 2021. Collection method: clinical testing. Allele origin: germline. Affected: yes.
Comment: In silico analysis supports that this missense variant has a deleterious effect on protein structure/function; Has not been previously published as pathogenic or benign to our knowledge